The following is an entry in ClinVar:

ClinVar aggregate classification (germline): Benign (3 of 4 stars; one submission).

Conditions:
Breast-ovarian cancer, familial, susceptibility to, 2 (BROVCA2). Also called: BRCA2 Hereditary Breast and Ovarian Cancer. Identifiers: Orphanet 145, MedGen C2675520, MONDO:0012933, OMIM 612555. Disease mechanism: loss of function.

Allele frequency attached by ClinVar (database versions not stated): 1000 Genomes Project 0.00379; 1000 Genomes Project 30x 0.00422; TOPMed 0.00690; gnomAD 0.00711 and 0.00713.
gnomAD v4.1: 1,077 of 152,194 alleles (0.71%); highest among the groups gnomAD compares: Non-Finnish European, 1.2%; 7 homozygotes.

Submission:

Evidence-based Network for the Interpretation of Germline Mutant Alleles (ENIGMA)
Classification: Benign for Breast-ovarian cancer, familial 2. Last evaluated: 2015-01-12. Review status: reviewed by expert panel. Criteria: ENIGMA BRCA1/2 Classification Criteria (2015). Collection method: curation. Allele origin: germline.
Comment: Class 1 not pathogenic based on frequency >1% in an outbred sampleset. Frequency 0.01319 (European), derived from 1000 genomes (2012-04-30).

NM_000059.4(BRCA2):c.8755-1098T>C

Gene: BRCA2 (BRCA2 DNA repair associated; plus strand). Cytogenetic location: 13q13.1.
Variant type: single nucleotide variant.
Coding change: c.8755-1098T>C on transcript NM_000059.4 (MANE Select); 1098 bases into the intron before coding-DNA position 8755, T replaced by C.
Molecular consequence: intron variant.
Genome position (GRCh38, 1-based): chr13:32,378,219, T>C. VCF-style: chr13-32378219-T-C. GRCh37 (hg19) VCF-style: chr13-32952356-T-C.
Other names: IVS 21-1098T>C.
Identifiers: ClinVar variation 209841 (VCV000209841.1), dbSNP rs11571764, ClinGen allele CA276809.
Genomic context (GRCh38, chr13:32,378,219, plus strand): 5'-TCCACAAAATTTAACAATATTTTTTTGTCTGGACATAAGGGGGCAGAATAAGAGTTGGAG[T>C]AGGGCCTTGCCCAGCCACTCTGTAACTGGACAAGTGATGTATTTATTTCTTAGGACCTCA-3'